The following is an entry in ClinVar:

ClinVar aggregate classification (germline): Benign/Likely benign. Review status: criteria provided, multiple submitters, no conflicts (2 of 4 stars). 5 submissions from 5 submitters: Benign (1); Likely benign (4). Last evaluated 2026-09-01.

Conditions:
Hereditary cancer-predisposing syndrome. Also called: Hereditary neoplastic syndrome; Neoplastic Syndromes, Hereditary; Hereditary Cancer Syndrome; Tumor predisposition. Identifiers: Orphanet 140162, MedGen C0027672, MeSH D009386, MONDO:0015356.
Carney complex, type 1 (CNC1). Also called: CARNEY COMPLEX, TYPE I; CARNEY MYXOMA-ENDOCRINE COMPLEX. Identifiers: Orphanet 1359, MedGen C2607929, MONDO:0008057, OMIM 160980.
Acrodysostosis 1 with or without hormone resistance (ACRDYS1). Also called: ACRODYSOSTOSIS 1 WITH HORMONE RESISTANCE; ACRODYSOSTOSIS 1 WITHOUT HORMONE RESISTANCE; ACRODYSOSTOSIS WITH HORMONE RESISTANCE. Identifiers: Orphanet 280651, MedGen C3276228, MONDO:0007044, OMIM 101800.
Pigmented nodular adrenocortical disease, primary, 1 (PPNAD1). Also called: CUSHING SYNDROME, ADRENAL, DUE TO PPNAD1; PIGMENTED MICRONODULAR ADRENOCORTICAL DISEASE, PRIMARY, 1; ADRENOCORTICAL NODULAR DYSPLASIA, PRIMARY. Identifiers: Orphanet 189439, MedGen C1864846, MONDO:0012509, OMIM 610489.
Familial atrial myxoma. Identifiers: Orphanet 615, MedGen C2931787, MONDO:0009719, OMIM 255960.

Allele frequency attached by ClinVar (database versions not stated): ESP Exome Variant Server 0.00008; gnomAD exomes 0.00009 and 0.00011; gnomAD 0.00011; TOPMed 0.00011; ExAC 0.00012.
gnomAD v4.1: 175 of 1,613,730 alleles (0.011%); highest among the groups gnomAD compares: Non-Finnish European, 0.014%; no homozygotes.

Submissions (5):

CeGaT Center for Human Genetics Tuebingen
Classification: Likely benign. Last evaluated: 2026-09-01. Review status: criteria provided, single submitter. Criteria: CeGaT Center For Human Genetics Tuebingen Variant Classification Criteria Version 2. Collection method: clinical testing. Allele origin: germline. Affected: yes. Observed: 4 variant alleles.
Comment: PRKAR1A: BP4, BP7

Labcorp Genetics (formerly Invitae), Labcorp
Classification: Likely benign for Carney complex, type 1. Last evaluated: 2026-01-27. Review status: criteria provided, single submitter. Criteria: Invitae Variant Classification Sherloc (09022015). Collection method: clinical testing. Allele origin: germline.

Fulgent Genetics
Classification: Likely benign for Acrodysostosis 1 with or without hormone resistance; Carney complex, type 1; Familial atrial myxoma; Pigmented nodular adrenocortical disease, primary, 1. Last evaluated: 2021-08-12. Review status: criteria provided, single submitter. Criteria: ACMG Guidelines, 2015. Collection method: clinical testing. Allele origin: unknown.

Ambry Genetics
Classification: Likely benign for Hereditary cancer-predisposing syndrome. Last evaluated: 2017-06-06. Review status: criteria provided, single submitter. Criteria: Ambry Variant Classification Scheme 2023. Collection method: clinical testing. Allele origin: germline.

Women's Health and Genetics/Laboratory Corporation of America, LabCorp
Classification: Benign. Last evaluated: 2017-02-03. Review status: criteria provided, single submitter. Criteria: LabCorp Variant Classification Summary - May 2015. Collection method: clinical testing. Allele origin: germline.
Comment: Variant summary: The PRKAR1A c.381T>C (p.Ala127Ala) variant involves the alteration of a non-conserved nucleotide, resulting in a synonymous change. . 5/5 splice prediction tools predict no significant impact on normal splicing. ESE finder predicts that this variant may create a new ESE site. However, these predictions have yet to be confirmed by functional studies. This variant was found in 14/121340 control chromosomes, predominantly observed in the European (Non-Finnish) subpopulation at a frequency of 0.00021 (14/66714). This frequency is about 112 times the estimated maximal expected allele frequency of a pathogenic PRKAR1A variant (0.0000019), suggesting this is likely a benign polymorphism found primarily in the populations of European (Non-Finnish) origin. The variant of interest has not, to our knowledge, been reported in affected individuals via publications. Taken together, this variant is classified as Benign.

NM_002734.5(PRKAR1A):c.381T>C (p.Ala127=)

Gene: PRKAR1A (protein kinase cAMP-dependent type I regulatory subunit alpha; plus strand). Cytogenetic location: 17q24.2.
Variant type: single nucleotide variant.
Coding change: c.381T>C on transcript NM_002734.5 (MANE Select); coding-DNA position 381, T replaced by C.
Protein change: p.Ala127=; no amino-acid change (alanine 127 retained).
Molecular consequence: synonymous variant.
Genome position (GRCh38, 1-based): chr17:68,523,757, T>C. VCF-style: chr17-68523757-T-C. GRCh37 (hg19) VCF-style: chr17-66519898-T-C.
Other names: c.381T>C, p.Ala127= (NM_001276289.2, NM_001276290.1, NM_001278433.2 and 4 more transcripts).
Identifiers: ClinVar variation 413782 (VCV000413782.56), dbSNP rs372669687, ClinGen allele CA8729230.